The following is an entry in ClinVar:

ClinVar aggregate classification (germline): Pathogenic. Review status: criteria provided, multiple submitters, no conflicts (2 of 4 stars). 13 submissions from 13 submitters: Pathogenic (10). 3 of the submissions do not count toward it. Last evaluated 2026-10-01.

Conditions:
BLM-related disorder. Also called: BLM-related condition.
Hereditary cancer-predisposing syndrome. Also called: Neoplastic Syndromes, Hereditary; Hereditary neoplastic syndrome; Hereditary Cancer Syndrome; Tumor predisposition. Identifiers: Orphanet 140162, MedGen C0027672, MeSH D009386, MONDO:0015356.
Bloom syndrome (BLM). Also called: Bloom-Torre-Machacek syndrome. Identifiers: Orphanet 125, MedGen C0005859, MONDO:0008876, OMIM 210900.

Allele frequency attached by ClinVar (database versions not stated): gnomAD 0.00001; gnomAD exomes 0.00001 and 0.00008; ExAC 0.00006; TOPMed 0.00001.

Submissions (13):

St. Jude Molecular Pathology, St. Jude Children's Research Hospital
Classification: Pathogenic for Bloom syndrome. Last evaluated: 2026-10-01. Review status: criteria provided, single submitter. Criteria: St. Jude Assertion Criteria 2020. Collection method: clinical testing. Allele origin: germline.
Comment: The BLM c.2506_2507del p.(Arg836GlyfsTer18) change deletes two nucleotides to cause a frameshift and the creation of a premature stop codon. This change is predicted to cause protein truncation or absence of prote in due to nonsense-mediated decay. This variant has been observed in individuals with Bloom syndrome (PMID: 17407155, 33832920, 39049596). This variant has a maximum subpopulation frequency of 0.05% in gnomAD v2.1.1. I n summary, this variant meets criteria to be classified as pathogenic.

Labcorp Genetics (formerly Invitae), Labcorp
Classification: Pathogenic for Bloom syndrome. Last evaluated: 2026-01-28. Review status: criteria provided, single submitter. Criteria: Invitae Variant Classification Sherloc (09022015). Collection method: clinical testing. Allele origin: germline.
Comment: This sequence change creates a premature translational stop signal (p.Arg836Glyfs*18) in the BLM gene. It is expected to result in an absent or disrupted protein product. Loss-of-function variants in BLM are known to be pathogenic (PMID: 17407155). This variant is present in population databases (rs367543024, gnomAD 0.06%). This premature translational stop signal has been observed in individual(s) with Bloom syndrome (PMID: 17407155). ClinVar contains an entry for this variant (Variation ID: 42071). For these reasons, this variant has been classified as Pathogenic.

Natera, Inc.
Classification: Pathogenic for Bloom syndrome. Last evaluated: 2025-06-30. Review status: criteria provided, single submitter. Criteria: Natera Variant Classification Schema (03/2026). Collection method: clinical testing. Allele origin: germline.
Comment: The c.2506_2507delAG variant in BLM is a frameshift variant predicted to shift the reading frame beginning at codon 836 and leads to a stop codon 18 codons downstream. This variant is expected to result in nonsense mediated decay, truncation, or a dysfunctional protein product. The frequency of this variant in the general population is greater than expected for disorder. This variant has been observed in one or more individuals affected with the associated recessive disease, as either homozygous or compound heterozygous with a second variant (PMID: 17407155, 37594403). Given the available evidence, this variant is classified as Pathogenic.

GeneDx
Classification: Pathogenic. Last evaluated: 2024-12-03. Review status: criteria provided, single submitter. Criteria: GeneDx Variant Classification Process June 2021. Collection method: clinical testing. Allele origin: germline. Affected: yes.
Comment: Frameshift variant predicted to result in protein truncation or nonsense mediated decay in a gene for which loss-of-function is a known mechanism of disease; This variant is associated with the following publications: (PMID: 35969835, 36087940, 36451132, 29625052, 33832920, 17407155, 34308104, 26247052, 37594403)

3billion
Classification: Pathogenic for Bloom syndrome. Last evaluated: 2024-06-04. Review status: criteria provided, single submitter. Criteria: ACMG Guidelines, 2015. Collection method: clinical testing. Allele origin: germline. Affected: yes.
Comment: The variant is observed at an extremely low frequency in the gnomAD v4.0.0 dataset (total allele frequency: 0.001%). Predicted Consequence/Location: Frameshift: predicted to result in a loss or disruption of normal protein function through nonsense-mediated decay (NMD) or protein truncation. Multiple pathogenic variants are reported downstream of the variant. The variant has been reported at least twice as pathogenic with clinical assertions and evidence for the classification (ClinVar ID: VCV000042071 /PMID: 17407155). Therefore, this variant is classified as Pathogenic according to the recommendation of ACMG/AMP guideline.

Ambry Genetics
Classification: Pathogenic for Hereditary cancer-predisposing syndrome. Last evaluated: 2024-05-06. Review status: criteria provided, single submitter. Criteria: Ambry Variant Classification Scheme 2023. Collection method: clinical testing. Allele origin: germline.
Comment: The c.2506_2507delAG pathogenic mutation, located in coding exon 11 of the BLM gene, results from a deletion of two nucleotides at nucleotide positions 2506 to 2507, causing a translational frameshift with a predicted alternate stop codon (p.R836Gfs*18). This mutation has been reported in the homozygous and compound heterozygous state in patients with Bloom syndrome (German J et al. Hum. Mutat., 2007 Aug;28:743-53). This alteration has also been reported in one individual with cervical squamous cell carcinoma and another individual with liposarcoma (Huang KL et al. Cell, 2018 04;173:355-370.e14). In addition to the clinical data presented in the literature, this alteration is expected to result in loss of function by premature protein truncation or nonsense-mediated mRNA decay. As such, this alteration is interpreted as a disease-causing mutation.

Baylor Genetics
Classification: Pathogenic for Bloom syndrome. Last evaluated: 2024-03-25. Review status: criteria provided, single submitter. Criteria: ACMG Guidelines, 2015. Collection method: clinical testing. Allele origin: unknown.

Quest Diagnostics Nichols Institute San Juan Capistrano
Classification: Pathogenic. Last evaluated: 2022-10-11. Review status: criteria provided, single submitter. Criteria: Quest Diagnostics criteria. Collection method: clinical testing. Allele origin: unknown.
Comment: This frameshift variant alters the translational reading frame of the BLM mRNA and causes the premature termination of BLM protein synthesis. In the published literature, the variant has been reported in individuals affected with advanced cancers (PMID: 29625052 (2018)) and Bloom syndrome with a second pathogenic variant (PMID: 17407155 (2007)). One family study showed the variant segregated with disease (PMID: 33832920 (2021)). Based on the available information, this variant is classified as pathogenic.

Sema4
Classification: Pathogenic for Hereditary cancer-predisposing syndrome. Last evaluated: 2021-12-14. Review status: criteria provided, single submitter. Criteria: Sema4 Curation Guidelines. Collection method: curation. Allele origin: germline.
Comment: The BLM c.2506_2507delAG (p.R836Gfs*18) variant has been reported as homozygous and compound heterozygous in at least three families with Bloom syndrome (PMID: 17407155, 33832920). It has been reported in heterozygosity in individuals with cervical squamous cell carcinoma and a sarcoma (PMID: 29625052). This variant causes a frameshift at amino acid 836 that results in premature termination 18 amino acids downstream. This alteration is expected to result in loss of function by premature protein truncation or nonsense-mediated mRNA decay. Loss-of-function variants in BLM are known to be pathogenic (PMID: 17407155). It was observed in 19/34588 chromosomes of the Latino subpopulation, with no homozygotes, in the large and broad cohorts of the Genome Aggregation Database (PMID: 32461654). The variant has been reported in ClinVar (Variation ID 42071). Based on the current evidence available, this variant is interpreted as pathogenic.

Women's Health and Genetics/Laboratory Corporation of America, LabCorp
Classification: Pathogenic for Bloom syndrome. Last evaluated: 2021-03-05. Review status: criteria provided, single submitter. Criteria: LabCorp Variant Classification Summary - May 2015. Collection method: clinical testing. Allele origin: germline.
Comment: Variant summary: BLM c.2506_2507delAG (p.Arg836GlyfsX18) results in a premature termination codon, predicted to cause a truncation of the encoded protein or absence of the protein due to nonsense mediated decay, which are commonly known mechanisms for disease. Truncations downstream of this position have been classified as pathogenic by our laboratory. The variant allele was found at a frequency of 7.6e-05 in 251380 control chromosomes. This frequency is not significantly higher than expected for a pathogenic variant in BLM causing Bloom Syndrome (7.6e-05 vs 0.0035), allowing no conclusion about variant significance. c.2506_2507delAG has been reported in the literature in homozygous and compound heterozygous individuals affected with Bloom Syndrome (e.g. German_2007). These data indicate that the variant is likely to be associated with disease. To our knowledge, no experimental evidence demonstrating an impact on protein function has been reported. Three other clinical diagnostic laboratories have submitted clinical-significance assessments for this variant to ClinVar after 2014 without evidence for independent evaluation. All laboratories classified the variant as pathogenic. Based on the evidence outlined above, the variant was classified as pathogenic.

PreventionGenetics, part of Exact Sciences
Classification: Pathogenic for BLM-related condition. Last evaluated: 2023-12-29. Review status: no assertion criteria provided. Collection method: clinical testing. Allele origin: germline. Not counted in ClinVar's aggregate classification.
Comment: The BLM c.2506_2507delAG variant is predicted to result in a frameshift and premature protein termination (p.Arg836Glyfs*18). This variant was reported in the homozygous or compound heterozygous state in individuals with Bloom syndrome (German et al. 2007. PubMed ID: 17407155; Sybouts et al. 2021. PubMed ID: 33832920). This variant is reported in 0.055% of alleles in individuals of Latino descent in gnomAD. Frameshift variants in BLM are expected to be pathogenic. This variant is interpreted as pathogenic.

Greehey Children's Cancer Research Institute, UT Health San Antonio
Classification: Pathogenic for Bloom syndrome. Last evaluated: 2020-08-01. Review status: no assertion criteria provided. Collection method: clinical testing. Allele origin: germline. Inheritance: Autosomal recessive inheritance. Affected: yes. Observed: 1 variant allele, 1 homozygote. Not counted in ClinVar's aggregate classification.

Counsyl
Classification: Pathogenic for Bloom syndrome. Last evaluated: 2016-08-29. Review status: no assertion criteria provided. Collection method: clinical testing. Allele origin: unknown. Not counted in ClinVar's aggregate classification.

Literature cited by the submitters: PubMed 17407155 (cited by 8 submitters); PubMed 37594403 (cited by Natera, Inc.); PubMed 29625052 (cited by 3 submitters); PubMed 33832920 (cited by Quest Diagnostics Nichols Institute San Juan Capistrano and Sema4); PubMed 35969835 (cited by Quest Diagnostics Nichols Institute San Juan Capistrano); PubMed 31218271 (cited by Quest Diagnostics Nichols Institute San Juan Capistrano).

NM_000057.4(BLM):c.2506_2507del (p.Arg836fs)

Gene: BLM (BLM RecQ like helicase; plus strand). Cytogenetic location: 15q26.1.
Variant type: Deletion.
Coding change: c.2506_2507del on transcript NM_000057.4 (MANE Select); coding-DNA positions 2506 to 2507, 2 bases deleted (AG; older notation c.2506_2507delAG).
Protein change: p.Arg836fs; shifts the reading frame from arginine 836.
Molecular consequence: frameshift variant.
Genome position (GRCh38, 1-based): chr15:90,769,537-90,769,538, AG deleted. VCF-style (leftmost placement, unchanged base first): chr15-90769536-CAG-C. GRCh37 (hg19) VCF-style: chr15-91312766-CAG-C.
Other names: c.2506_2507del (LRG_20t1, NM_000057.3); c.2506_2507del, p.Arg836fs (NM_001287246.2, NM_001287247.2); c.1381_1382del, p.Arg461fs (NM_001287248.2); c.2506_2507delAG (NM_000057.2); short protein forms R836fs, R461fs.
Identifiers: ClinVar variation 42071 (VCV000042071.39), dbSNP rs367543024, ClinGen allele CA344508.